The following is an entry in ClinVar:

NM_000642.3(AGL):c.4378C>T (p.Arg1460Cys)

Gene: AGL (amylo-alpha-1,6-glucosidase and 4-alpha-glucanotransferase; plus strand). Cytogenetic location: 1p21.2.
Variant type: single nucleotide variant.
Coding change: c.4378C>T on transcript NM_000642.3 (MANE Select); coding-DNA position 4378, C replaced by T.
Protein change: p.Arg1460Cys; replaces arginine 1460 with cysteine.
Molecular consequence: missense variant.
Genome position (GRCh38, 1-based): chr1:99,916,628, C>T. VCF-style: chr1-99916628-C-T. GRCh37 (hg19) VCF-style: chr1-100382184-C-T.
Other names: c.4039C>T, p.Arg1347Cys (NM_001425329.1); c.4000C>T, p.Arg1334Cys (NM_001425332.1); c.4378C>T, p.Arg1460Cys (NM_000028.3, NM_000643.3, NM_000644.3 and 1 more transcripts); c.4330C>T, p.Arg1444Cys (NM_000646.3); c.4357C>T, p.Arg1453Cys (NM_001425326.1); c.4177C>T, p.Arg1393Cys (NM_001425327.1); c.4174C>T, p.Arg1392Cys (NM_001425328.1); short protein forms R1444C, R1460C, R1334C, R1347C, R1392C, R1393C, R1453C.
Identifiers: ClinVar variation 2142401 (VCV002142401.4), dbSNP rs755997467, ClinGen allele CA967430.

ClinVar aggregate classification (germline): Uncertain significance. Review status: criteria provided, multiple submitters, no conflicts (2 of 4 stars). 3 submissions from 3 submitters: Uncertain significance (3). Last evaluated 2023-04-11.

Conditions:
Inborn genetic diseases. Identifiers: MedGen C0950123, MeSH D030342.
Glycogen storage disease type III (GSD3). Also called: Cori disease; FORBES DISEASE. Identifiers: Orphanet 366, MedGen C0017922, MONDO:0009291, OMIM 232400.

Allele frequency attached by ClinVar (database versions not stated): ExAC 0.00001; gnomAD exomes 0.00001; TOPMed 0.00001.
gnomAD v4.1: 16 of 1,613,032 alleles (0.00099%); highest among the groups gnomAD compares: Non-Finnish European, 0.0013%; no homozygotes.

Submissions (3):

Genome-Nilou Lab
Classification: Uncertain significance for Glycogen storage disease type III. Last evaluated: 2023-04-11. Review status: criteria provided, single submitter. Criteria: ACMG Guidelines, 2015. Collection method: clinical testing. Allele origin: germline. Affected: no.

Ambry Genetics
Classification: Uncertain significance for Inborn genetic diseases. Last evaluated: 2023-03-02. Review status: criteria provided, single submitter. Criteria: Ambry Variant Classification Scheme 2023. Collection method: clinical testing. Allele origin: germline.

Labcorp Genetics (formerly Invitae), Labcorp
Classification: Uncertain significance for Glycogen storage disease type III. Last evaluated: 2022-03-19. Review status: criteria provided, single submitter. Criteria: Invitae Variant Classification Sherloc (09022015). Collection method: clinical testing. Allele origin: germline.
Comment: This sequence change replaces arginine, which is basic and polar, with cysteine, which is neutral and slightly polar, at codon 1460 of the AGL protein (p.Arg1460Cys). This variant is present in population databases (rs755997467, gnomAD 0.003%). This variant has not been reported in the literature in individuals affected with AGL-related conditions. Algorithms developed to predict the effect of missense changes on protein structure and function (SIFT, PolyPhen-2, Align-GVGD) all suggest that this variant is likely to be disruptive. Algorithms developed to predict the effect of sequence changes on RNA splicing suggest that this variant may disrupt the consensus splice site. In summary, the available evidence is currently insufficient to determine the role of this variant in disease. Therefore, it has been classified as a Variant of Uncertain Significance.